The following is an entry in ClinVar:

NM_000465.4(BARD1):c.1338C>G (p.Tyr446Ter)

Gene: BARD1 (BRCA1 associated RING domain 1; minus strand). Cytogenetic location: 2q35.
Variant type: single nucleotide variant.
Coding change: c.1338C>G on transcript NM_000465.4 (MANE Select); coding-DNA position 1338, C replaced by G.
Protein change: p.Tyr446Ter; replaces tyrosine 446 with a stop codon.
Molecular consequence: nonsense. On other transcripts: non-coding transcript variant (3), intron variant (3).
Genome position (GRCh38, 1-based): chr2:214,769,289, G>C on the plus strand (C>G on the coding strand, the complement: BARD1 is on the minus strand). VCF-style: chr2-214769289-G-C. GRCh37 (hg19) VCF-style: chr2-215634013-G-C.
Other names: c.1281C>G, p.Tyr427Ter (NM_001282543.2); c.159-16734C>G (NM_001282548.2); c.216-16734C>G (NM_001282545.2); c.364+23008C>G (NM_001282549.2); short protein forms Y446*, Y427*.
Identifiers: ClinVar variation 481402 (VCV000481402.16), dbSNP rs761702998, ClinGen allele CA350450445.

ClinVar aggregate classification (germline): Pathogenic. Review status: criteria provided, multiple submitters, no conflicts (2 of 4 stars). 3 submissions from 3 submitters: Pathogenic (3). Last evaluated 2025-12-02.

Conditions:
Familial cancer of breast. Also called: BREAST CANCER, FAMILIAL; Hereditary breast cancer; hereditary breast carcinoma. Identifiers: Orphanet 227535, MedGen C0346153, MONDO:0016419, OMIM 114480. Disease mechanism: loss of function.
Hereditary cancer-predisposing syndrome. Also called: Hereditary Cancer Syndrome; Neoplastic Syndromes, Hereditary; Tumor predisposition; Hereditary neoplastic syndrome. Identifiers: Orphanet 140162, MedGen C0027672, MeSH D009386, MONDO:0015356.

Submissions (3):

Labcorp Genetics (formerly Invitae), Labcorp
Classification: Pathogenic for Familial cancer of breast. Last evaluated: 2025-12-02. Review status: criteria provided, single submitter. Criteria: Invitae Variant Classification Sherloc (09022015). Collection method: clinical testing. Allele origin: germline.
Comment: This sequence change creates a premature translational stop signal (p.Tyr446*) in the BARD1 gene. It is expected to result in an absent or disrupted protein product. Loss-of-function variants in BARD1 are known to be pathogenic (PMID: 20077502, 21344236). This variant is not present in population databases (gnomAD no frequency). This variant has not been reported in the literature in individuals affected with BARD1-related conditions. ClinVar contains an entry for this variant (Variation ID: 481402). For these reasons, this variant has been classified as Pathogenic.

Ambry Genetics
Classification: Pathogenic for Hereditary cancer-predisposing syndrome. Last evaluated: 2025-06-23. Review status: criteria provided, single submitter. Criteria: Ambry Variant Classification Scheme 2023. Collection method: clinical testing. Allele origin: germline.
Comment: The p.Y446* pathogenic mutation (also known as c.1338C>G), located in coding exon 5 of the BARD1 gene, results from a C to G substitution at nucleotide position 1338. This changes the amino acid from a tyrosine to a stop codon within coding exon 5. This variant is considered to be rare based on population cohorts in the Genome Aggregation Database (gnomAD). This alteration is expected to result in loss of function by premature protein truncation or nonsense-mediated mRNA decay. As such, this alteration is interpreted as a disease-causing mutation.

Myriad Genetics, Inc.
Classification: Pathogenic for Familial cancer of breast. Last evaluated: 2023-05-23. Review status: criteria provided, single submitter. Criteria: Myriad Autosomal Dominant, Autosomal Recessive and X-Linked Classification Criteria (2023). Collection method: clinical testing. Allele origin: unknown.
Comment: This variant is considered pathogenic. This variant creates a termination codon and is predicted to result in premature protein truncation.

Literature cited by the submitters: PubMed 20077502 (cited by Labcorp Genetics (formerly Invitae), Labcorp); PubMed 21344236 (cited by Labcorp Genetics (formerly Invitae), Labcorp).